The following is an entry in ClinVar:

ClinVar aggregate classification (germline): Likely benign. Review status: criteria provided, multiple submitters, no conflicts (2 of 4 stars). 3 submissions from 3 submitters: Likely benign (3). Last evaluated 2026-08-01.

Allele frequency attached by ClinVar (database versions not stated): 1000 Genomes Project 0.00180; 1000 Genomes Project 30x 0.00187; gnomAD 0.00273 and 0.00275; ExAC 0.00297; gnomAD exomes 0.00299 and 0.00430; TOPMed 0.00308; ESP Exome Variant Server 0.00323.

Submissions (3):

CeGaT Center for Human Genetics Tuebingen
Classification: Likely benign. Last evaluated: 2026-08-01. Review status: criteria provided, single submitter. Criteria: CeGaT Center For Human Genetics Tuebingen Variant Classification Criteria Version 2. Collection method: clinical testing. Allele origin: germline. Affected: yes. Observed: 9 variant alleles.
Comment: TKT: BP4, BS2

Labcorp Genetics (formerly Invitae), Labcorp
Classification: Likely benign. Last evaluated: 2019-12-31. Review status: criteria provided, single submitter. Criteria: Invitae Variant Classification Sherloc (09022015). Collection method: clinical testing. Allele origin: germline.

Breakthrough Genomics
Classification: Likely benign. Review status: criteria provided, single submitter. Criteria: ACMG Guidelines, 2015. Collection method: not provided. Allele origin: germline. Inheritance: Autosomal recessive inheritance. Affected: yes.

NM_001064.4(TKT):c.737G>A (p.Arg246Gln)

Gene: TKT (transketolase; minus strand). Cytogenetic location: 3p21.1.
Variant type: single nucleotide variant.
Coding change: c.737G>A on transcript NM_001064.4 (MANE Select); coding-DNA position 737, G replaced by A.
Protein change: p.Arg246Gln; replaces arginine 246 with glutamine.
Molecular consequence: missense variant. On other transcripts: non-coding transcript variant (1).
Genome position (GRCh38, 1-based): chr3:53,233,167, C>T on the plus strand (G>A on the coding strand, the complement: TKT is on the minus strand). VCF-style: chr3-53233167-C-T. GRCh37 (hg19) VCF-style: chr3-53267183-C-T.
Other names: c.737G>A, p.Arg246Gln (NM_001135055.3); c.761G>A, p.Arg254Gln (NM_001258028.2); short protein forms R254Q, R246Q.
Identifiers: ClinVar variation 774421 (VCV000774421.12), dbSNP rs139694567, ClinGen allele CA2452776.